The following is an entry in ClinVar:

ClinVar aggregate classification (germline): Likely benign. Review status: criteria provided, multiple submitters, no conflicts (2 of 4 stars). 2 submissions from 2 submitters: Likely benign (2). Last evaluated 2024-06-24.

Conditions:
Isovaleryl-CoA dehydrogenase deficiency (IVA). Also called: Classic Isovaleric Acidemia; IVD DEFICIENCY; Isovaleric acidemia; ISOVALERIC ACID CoA DEHYDROGENASE DEFICIENCY. Identifiers: Orphanet 33, MedGen C0268575, MONDO:0009475, OMIM 243500.

Allele frequency attached by ClinVar (database versions not stated): gnomAD 0.00001; TOPMed 0.00001; ExAC 0.00002.
gnomAD v4.1: 7 of 1,613,858 alleles (0.00043%); highest among the groups gnomAD compares: Admixed American, 0.005%; no homozygotes.

Submissions (2):

Labcorp Genetics (formerly Invitae), Labcorp
Classification: Likely benign for Isovaleryl-CoA dehydrogenase deficiency. Last evaluated: 2024-06-24. Review status: criteria provided, single submitter. Criteria: Invitae Variant Classification Sherloc (09022015). Collection method: clinical testing. Allele origin: germline.

GeneDx
Classification: Likely benign. Last evaluated: 2018-02-23. Review status: criteria provided, single submitter. Criteria: GeneDx Variant Classification (06012015). Collection method: clinical testing. Allele origin: germline. Affected: yes.
Comment: This variant is considered likely benign or benign based on one or more of the following criteria: it is a conservative change, it occurs at a poorly conserved position in the protein, it is predicted to be benign by multiple in silico algorithms, and/or has population frequency not consistent with disease.

NM_002225.5(IVD):c.948C>T (p.Ile316=)

Gene: IVD (isovaleryl-CoA dehydrogenase; plus strand). Cytogenetic location: 15q15.1.
Variant type: single nucleotide variant.
Coding change: c.948C>T on transcript NM_002225.5 (MANE Select); coding-DNA position 948, C replaced by T.
Protein change: p.Ile316=; no amino-acid change (isoleucine 316 retained).
Molecular consequence: synonymous variant. On other transcripts: non-coding transcript variant (1).
Genome position (GRCh38, 1-based): chr15:40,415,470, C>T. VCF-style: chr15-40415470-C-T. GRCh37 (hg19) VCF-style: chr15-40707669-C-T.
Other names: c.858C>T, p.Ile286= (NM_001159508.3); c.900C>T, p.Ile300= (NM_001354597.3); c.948C>T, p.Ile316= (NM_001354598.3, NM_001354601.3); c.1035C>T, p.Ile345= (NM_001354599.3, NM_001354600.3).
Identifiers: ClinVar variation 515349 (VCV000515349.11), dbSNP rs754100750, ClinGen allele CA7480800.